The following is an entry in ClinVar:

NM_014633.5(CTR9):c.3020A>G (p.Lys1007Arg)

Gene: CTR9 (CTR9 component of Paf1/RNA polymerase II complex; plus strand). Cytogenetic location: 11p15.4.
Variant type: single nucleotide variant.
Coding change: c.3020A>G on transcript NM_014633.5 (MANE Select); coding-DNA position 3020, A replaced by G.
Protein change: p.Lys1007Arg; replaces lysine 1007 with arginine.
Molecular consequence: missense variant.
Genome position (GRCh38, 1-based): chr11:10,775,558, A>G. VCF-style: chr11-10775558-A-G. GRCh37 (hg19) VCF-style: chr11-10797105-A-G.
Other names: c.2948A>G, p.Lys983Arg (NM_001346279.2); short protein forms K1007R, K983R.
Identifiers: ClinVar variation 935910 (VCV000935910.9), dbSNP rs1863219079, ClinGen allele CA379678367.

ClinVar aggregate classification (germline): Uncertain significance (1 of 4 stars; one submission).

Submission:

Labcorp Genetics (formerly Invitae), Labcorp
Classification: Uncertain significance. Last evaluated: 2019-09-21. Review status: criteria provided, single submitter. Criteria: Invitae Variant Classification Sherloc (09022015). Collection method: clinical testing. Allele origin: germline.
Comment: In summary, the available evidence is currently insufficient to determine the role of this variant in disease. Therefore, it has been classified as a Variant of Uncertain Significance. This variant is not present in population databases (ExAC no frequency). Algorithms developed to predict the effect of missense changes on protein structure and function (SIFT, PolyPhen-2, Align-GVGD) all suggest that this variant is likely to be tolerated, but these predictions have not been confirmed by published functional studies and their clinical significance is uncertain. This variant has not been reported in the literature in individuals with CTR9-related conditions. This sequence change replaces lysine with arginine at codon 1007 of the CTR9 protein (p.Lys1007Arg). The lysine residue is moderately conserved and there is a small physicochemical difference between lysine and arginine.